The following is an entry in ClinVar:

ClinVar aggregate classification (germline): Conflicting classifications of pathogenicity. Review status: criteria provided, conflicting classifications (1 of 4 stars). 4 submissions from 4 submitters: Uncertain significance (2); Likely benign (2). Last evaluated 2025-12-20.

Conditions:
Supravalvar aortic stenosis (SVAS). Also called: Supravalvar aortic stenosis, Eisenberg type. Identifiers: Orphanet 3193, MedGen C0003499, MONDO:0008504, OMIM 185500, HP:0004381.
Cutis laxa, autosomal dominant 1 (ADCL1). Also called: ELN-Related Cutis Laxa. Identifiers: Orphanet 90348, MedGen C3276539, MONDO:0007411, OMIM 123700. Disease mechanism: Dominant Negative.

Submissions (4):

Labcorp Genetics (formerly Invitae), Labcorp
Classification: Uncertain significance for Supravalvar aortic stenosis. Last evaluated: 2025-12-20. Review status: criteria provided, single submitter. Criteria: Invitae Variant Classification Sherloc (09022015). Collection method: clinical testing. Allele origin: germline.
Comment: This variant, c.1540_1575del, results in the deletion of 12 amino acid(s) of the ELN protein (p.Val514_Gly525del), but otherwise preserves the integrity of the reading frame. This variant is present in population databases (rs782202364, gnomAD 0.01%). This variant has not been reported in the literature in individuals affected with ELN-related conditions. ClinVar contains an entry for this variant (Variation ID: 1178166). Experimental studies and prediction algorithms are not available or were not evaluated, and the functional significance of this variant is currently unknown. In summary, the available evidence is currently insufficient to determine the role of this variant in disease. Therefore, it has been classified as a Variant of Uncertain Significance.

Blueprint Genetics
Classification: Likely benign. Last evaluated: 2024-09-10. Review status: criteria provided, single submitter. Criteria: ACMG Guidelines, 2015. Collection method: clinical testing. Allele origin: germline.

Fulgent Genetics
Classification: Uncertain significance for Cutis laxa, autosomal dominant 1; Supravalvar aortic stenosis. Last evaluated: 2024-05-09. Review status: criteria provided, single submitter. Criteria: ACMG Guidelines, 2015. Collection method: clinical testing. Allele origin: germline.

GeneDx
Classification: Likely benign. Last evaluated: 2022-05-09. Review status: criteria provided, single submitter. Criteria: GeneDx Variant Classification Process June 2021. Collection method: clinical testing. Allele origin: germline. Affected: yes.
Comment: See Variant Classification Assertion Criteria.

NM_000501.4(ELN):c.1453_1488del (p.479VAPGVG[1])

Genes: ELN (elastin; plus strand), ELN-AS1 (ELN antisense RNA 1; minus strand). Cytogenetic location: 7q11.23.
Variant type: Deletion.
Coding change: c.1453_1488del on transcript NM_000501.4 (MANE Select); coding-DNA positions 1453 to 1488, 36 bases deleted.
Protein change: p.479VAPGVG[1].
Molecular consequence: inframe deletion.
Genome position (GRCh38, 1-based): chr7:74,059,924-74,059,959, 36 bases deleted; deleting any 36 consecutive bases within chr7:74,059,906-74,059,959 gives the same sequence; the c. name uses the placement nearest the transcript's 3' end. GRCh37 (hg19): chr7:73,474,254-73,474,289.
Other names: c.1540_1575del (NM_001278939.1); c.1366_1401del, p.450VAPGVG[1] (NM_001081752.3); c.1411_1446del, p.465VAPGVG[1] (NM_001081753.3); c.1468_1503del, p.484VAPGVG[1] (NM_001081754.3); c.1396_1431del, p.460VAPGVG[1] (NM_001081755.3); c.1453_1488del, p.479VAPGVG[1] (NM_001278912.2); c.1210_1245del, p.398VAPGVG[1] (NM_001278913.2); c.1381_1416del, p.455VAPGVG[1] (NM_001278914.2); and 6 more.
Identifiers: ClinVar variation 1178166 (VCV001178166.13), dbSNP rs782202364, ClinGen allele CA4293061.